The following is an entry in ClinVar:

NM_000444.6(PHEX):c.1381del (p.Thr461fs)

Gene: PHEX (phosphate regulating endopeptidase X-linked; plus strand). Cytogenetic location: Xp22.11.
Variant type: Deletion.
Coding change: c.1381del on transcript NM_000444.6 (MANE Select); coding-DNA position 1381, one base deleted (A; older notation c.1381delA).
Protein change: p.Thr461fs; shifts the reading frame from threonine 461.
Molecular consequence: frameshift variant.
Genome position (GRCh38, 1-based): chrX:22,133,601, A deleted; the last of 2 consecutive A bases (chrX:22,133,600-22,133,601); deleting either gives the same sequence. VCF-style (leftmost placement, unchanged base first): chrX-22133599-GA-G. GRCh37 (hg19) VCF-style: chrX-22151716-GA-G.
Other names: c.1381del, p.Thr461fs (NM_001282754.2); short protein forms T461fs.
Identifiers: ClinVar variation 4725569 (VCV004725569.1).
Genomic context (GRCh38, chrX:22,133,599, plus strand): 5'-AGGGCGTTCGCTGGGCCTTTATTGACATGCTAGAGAAAGAAAATGAGTGGATGGATGCAG[GA>G]ACGAAAAGGAAAGCCAAAGAAAAGGTAAGGATTCCTTTTGATGAAAAAAAAATAAGACTT-3'

ClinVar aggregate classification (germline): Pathogenic (1 of 4 stars; one submission).

Submission:

Labcorp Genetics (formerly Invitae), Labcorp
Classification: Pathogenic. Last evaluated: 2025-08-17. Review status: criteria provided, single submitter. Criteria: Invitae Variant Classification Sherloc (09022015). Collection method: clinical testing. Allele origin: germline.
Comment: This sequence change creates a premature translational stop signal (p.Thr461Argfs*22) in the PHEX gene. It is expected to result in an absent or disrupted protein product. Loss-of-function variants in PHEX are known to be pathogenic (PMID: 9097956, 9106524, 19219621). This variant is not present in population databases (gnomAD no frequency). This variant has not been reported in the literature in individuals affected with PHEX-related conditions. For these reasons, this variant has been classified as Pathogenic.

Literature cited by the submitters: PubMed 9097956; PubMed 9106524; PubMed 19219621.